The following is an entry in ClinVar:

NM_006440.5(TXNRD2):c.175G>A (p.Ala59Thr)

Gene: TXNRD2 (thioredoxin reductase 2; minus strand). Cytogenetic location: 22q11.21.
Variant type: single nucleotide variant.
Coding change: c.175G>A on transcript NM_006440.5 (MANE Select); coding-DNA position 175, G replaced by A.
Protein change: p.Ala59Thr; replaces alanine 59 with threonine.
Molecular consequence: missense variant. On other transcripts: 5 prime UTR variant (1).
Genome position (GRCh38, 1-based): chr22:19,919,597, C>T on the plus strand (G>A on the coding strand, the complement: TXNRD2 is on the minus strand). VCF-style: chr22-19919597-C-T. GRCh37 (hg19) VCF-style: chr22-19907120-C-T.
Other names: c.175G>A, p.Ala59Thr (NM_001282512.3); c.172G>A, p.Ala58Thr (NM_001352300.2); c.85G>A, p.Ala29Thr (NM_001352301.2); c.-114G>A (NM_001352302.2); c.79G>A, p.Ala27Thr (NM_001352303.2); short protein forms A27T, A58T, A59T, A29T.
Identifiers: ClinVar variation 1509876 (VCV001509876.9), dbSNP rs752863555, ClinGen allele CA10104311.

ClinVar aggregate classification (germline): Uncertain significance. Review status: criteria provided, multiple submitters, no conflicts (2 of 4 stars). 2 submissions from 2 submitters: Uncertain significance (2). Last evaluated 2025-09-15.

Conditions:
Glucocorticoid deficiency 5. Identifiers: MedGen C4540522, MONDO:0040502, OMIM 617825.
Primary dilated cardiomyopathy (DCM). Also called: Dilated Cardiomyopathy. Identifiers: Orphanet 217604, MedGen C0007193, MeSH D002311, MONDO:0005021, HP:0001644. Inheritance: Various modes of inheritance.

Allele frequency attached by ClinVar (database versions not stated): gnomAD 0.00007; 1000 Genomes Project 30x 0.00031.
gnomAD v4.1: 86 of 1,559,198 alleles (0.0055%); highest among the groups gnomAD compares: East Asian, 0.0073%; no homozygotes.

Submissions (2):

Labcorp Genetics (formerly Invitae), Labcorp
Classification: Uncertain significance for Primary dilated cardiomyopathy. Last evaluated: 2025-09-15. Review status: criteria provided, single submitter. Criteria: Invitae Variant Classification Sherloc (09022015). Collection method: clinical testing. Allele origin: germline.
Comment: This sequence change replaces alanine, which is neutral and non-polar, with threonine, which is neutral and polar, at codon 59 of the TXNRD2 protein (p.Ala59Thr). The frequency data for this variant in the population databases is considered unreliable, as metrics indicate poor data quality at this position in the gnomAD database. This missense change has been observed in individual(s) with dilated cardiomyopathy (PMID: 21247928). ClinVar contains an entry for this variant (Variation ID: 1509876). An algorithm developed to predict the effect of missense changes on protein structure and function (PolyPhen-2) suggests that this variant is likely to be disruptive. Experimental studies have shown that this missense change affects TXNRD2 function (PMID: 21247928). In summary, the available evidence is currently insufficient to determine the role of this variant in disease. Therefore, it has been classified as a Variant of Uncertain Significance.

Fulgent Genetics
Classification: Uncertain significance for Glucocorticoid deficiency 5. Last evaluated: 2021-12-03. Review status: criteria provided, single submitter. Criteria: ACMG Guidelines, 2015. Collection method: clinical testing. Allele origin: unknown.

Literature cited by the submitters: PubMed 21247928 (cited by Labcorp Genetics (formerly Invitae), Labcorp).